The following is an entry in ClinVar:

NM_014014.5(SNRNP200):c.5754+6G>A

Gene: SNRNP200 (small nuclear ribonucleoprotein U5 subunit 200; minus strand). Cytogenetic location: 2q11.2.
Variant type: single nucleotide variant.
Coding change: c.5754+6G>A on transcript NM_014014.5 (MANE Select); 6 bases into the intron after coding-DNA position 5754, G replaced by A.
Molecular consequence: intron variant.
Genome position (GRCh38, 1-based): chr2:96,277,801, C>T on the plus strand (G>A on the coding strand, the complement: SNRNP200 is on the minus strand). VCF-style: chr2-96277801-C-T. GRCh37 (hg19) VCF-style: chr2-96943539-C-T.
Identifiers: ClinVar variation 2130672 (VCV002130672.4), dbSNP rs1283218788, ClinGen allele CA534635047.

ClinVar aggregate classification (germline): Uncertain significance (1 of 4 stars; one submission).

Allele frequency attached by ClinVar (database versions not stated): TOPMed below 0.00001; gnomAD 0.00001.
gnomAD v4.1: 1 of 1,614,138 alleles (0.000062%); highest among the groups gnomAD compares: African/African-American, 0.0013%; no homozygotes.

Submission:

Labcorp Genetics (formerly Invitae), Labcorp
Classification: Uncertain significance. Last evaluated: 2022-04-25. Review status: criteria provided, single submitter. Criteria: Invitae Variant Classification Sherloc (09022015). Collection method: clinical testing. Allele origin: germline.
Comment: This variant is present in population databases (no rsID available, gnomAD 0.007%). In summary, the available evidence is currently insufficient to determine the role of this variant in disease. Therefore, it has been classified as a Variant of Uncertain Significance. Variants that disrupt the consensus splice site are a relatively common cause of aberrant splicing (PMID: 17576681, 9536098). Algorithms developed to predict the effect of sequence changes on RNA splicing suggest that this variant is not likely to affect RNA splicing. This variant has not been reported in the literature in individuals affected with SNRNP200-related conditions. This sequence change falls in intron 40 of the SNRNP200 gene. It does not directly change the encoded amino acid sequence of the SNRNP200 protein. It affects a nucleotide within the consensus splice site.

Literature cited by the submitters: PubMed 17576681; PubMed 9536098.